The following is an entry in ClinVar:

NM_001105206.3(LAMA4):c.371G>A (p.Gly124Glu)

Gene: LAMA4 (laminin subunit alpha 4; minus strand). Cytogenetic location: 6q21.
Variant type: single nucleotide variant.
Coding change: c.371G>A on transcript NM_001105206.3 (MANE Select); coding-DNA position 371, G replaced by A.
Protein change: p.Gly124Glu; replaces glycine 124 with glutamic acid.
Molecular consequence: missense variant.
Genome position (GRCh38, 1-based): chr6:112,207,072, C>T on the plus strand (G>A on the coding strand, the complement: LAMA4 is on the minus strand). VCF-style: chr6-112207072-C-T. GRCh37 (hg19) VCF-style: chr6-112528273-C-T.
Other names: c.371G>A (NM_002290.3); c.371G>A, p.Gly124Glu (NM_001105207.3, NM_002290.5); short protein forms G124E.
Identifiers: ClinVar variation 635245 (VCV000635245.11), dbSNP rs1562733361, ClinGen allele CA365380963.

ClinVar aggregate classification (germline): Uncertain significance. Review status: criteria provided, multiple submitters, no conflicts (2 of 4 stars). 3 submissions from 3 submitters: Uncertain significance (3). Last evaluated 2024-12-09.

Conditions:
Dilated cardiomyopathy 1JJ (CMD1JJ). Identifiers: Orphanet 154, MedGen C3808935, MONDO:0014095, OMIM 615235.

Allele frequency attached by ClinVar (database versions not stated): TOPMed below 0.00001.
gnomAD v4.1: 22 of 1,613,964 alleles (0.0014%); highest among the groups gnomAD compares: Non-Finnish European, 0.0018%; no homozygotes.

Submissions (3):

GeneDx
Classification: Uncertain significance. Last evaluated: 2024-12-09. Review status: criteria provided, single submitter. Criteria: GeneDx Variant Classification Process June 2021. Collection method: clinical testing. Allele origin: germline. Affected: yes.
Comment: Not observed at significant frequency in large population cohorts (gnomAD); In silico analysis supports that this missense variant has a deleterious effect on protein structure/function; Has not been previously published as pathogenic or benign to our knowledge

Labcorp Genetics (formerly Invitae), Labcorp
Classification: Uncertain significance for Dilated cardiomyopathy 1JJ. Last evaluated: 2020-01-24. Review status: criteria provided, single submitter. Criteria: Invitae Variant Classification Sherloc (09022015). Collection method: clinical testing. Allele origin: germline.
Comment: In summary, the available evidence is currently insufficient to determine the role of this variant in disease. Therefore, it has been classified as a Variant of Uncertain Significance. Algorithms developed to predict the effect of missense changes on protein structure and function output the following: SIFT: "Deleterious"; PolyPhen-2: "Benign"; Align-GVGD: "Class C0". The glutamic acid amino acid residue is found in multiple mammalian species, suggesting that this missense change does not adversely affect protein function. These predictions have not been confirmed by published functional studies and their clinical significance is uncertain. This variant has not been reported in the literature in individuals with LAMA4-related disease. This variant is not present in population databases (ExAC no frequency). This sequence change replaces glycine with glutamic acid at codon 124 of the LAMA4 protein (p.Gly124Glu). The glycine residue is highly conserved and there is a moderate physicochemical difference between glycine and glutamic acid.

Stanford Center for Inherited Cardiovascular Disease, Stanford University
Classification: Uncertain significance. Last evaluated: 2018-02-02. Review status: criteria provided, single submitter. Criteria: ACMG Guidelines, 2015. Collection method: provider interpretation. Allele origin: germline.